The following is an entry in ClinVar:

NM_024426.6(WT1):c.46G>A (p.Glu16Lys)

Genes: WT1 (WT1 transcription factor; minus strand), LOC107982234 (WT1/WT1-AS bi-directional promoter region; plus strand). Cytogenetic location: 11p13.
Variant type: single nucleotide variant.
Coding change: c.46G>A on transcript NM_024426.6 (MANE Select); coding-DNA position 46, G replaced by A.
Protein change: p.Glu16Lys; replaces glutamic acid 16 with lysine.
Molecular consequence: missense variant. On other transcripts: non-coding transcript variant (1).
Genome position (GRCh38, 1-based): chr11:32,435,315, C>T on the plus strand (G>A on the coding strand, the complement: WT1 is on the minus strand). VCF-style: chr11-32435315-C-T. GRCh37 (hg19) VCF-style: chr11-32456861-C-T.
Other names: c.46G>A, p.Glu16Lys (NM_000378.6, NM_024424.5); short protein forms E16K.
Identifiers: ClinVar variation 1513562 (VCV001513562.8), dbSNP rs2133107724, ClinGen allele CA379966503.

ClinVar aggregate classification (germline): Uncertain significance (1 of 4 stars; one submission).

Conditions:
Drash syndrome (DDS). Also called: NEPHROPATHY, WILMS TUMOR, AND GENITAL ANOMALIES; WILMS TUMOR AND PSEUDO- OR TRUE HERMAPHRODITISM. Identifiers: Orphanet 220, MedGen C0950121, MONDO:0008682, OMIM 194080.
Frasier syndrome. Identifiers: Orphanet 347, MedGen C0950122, MeSH D052159, MONDO:0007635, OMIM 136680.
Wilms tumor 1 (WT1). Also called: Wilms tumor, somatic. Identifiers: Orphanet 654, MedGen CN033288, MONDO:0008679, OMIM 194070.
11p partial monosomy syndrome (WAGR). Also called: CHROMOSOME 11p13 DELETION SYNDROME; WAGR syndrome; WAGR Spectrum Disorder; WAGR Complex. Identifiers: Orphanet 893, MedGen C0206115, MONDO:0008681, OMIM 194072.

Submission:

Labcorp Genetics (formerly Invitae), Labcorp
Classification: Uncertain significance for Wilms tumor 1; Drash syndrome; 11p partial monosomy syndrome; Frasier syndrome. Last evaluated: 2022-03-08. Review status: criteria provided, single submitter. Criteria: Invitae Variant Classification Sherloc (09022015). Collection method: clinical testing. Allele origin: germline.
Comment: This variant has not been reported in the literature in individuals affected with WT1-related conditions. Algorithms developed to predict the effect of missense changes on protein structure and function are either unavailable or do not agree on the potential impact of this missense change (SIFT: "Deleterious"; PolyPhen-2: "Benign"; Align-GVGD: "Class C0"). In summary, the available evidence is currently insufficient to determine the role of this variant in disease. Therefore, it has been classified as a Variant of Uncertain Significance. This sequence change replaces glutamic acid, which is acidic and polar, with lysine, which is basic and polar, at codon 11 of the WT1 protein (p.Glu11Lys). This variant is not present in population databases (gnomAD no frequency).